The following is an entry in ClinVar:

NM_000059.4(BRCA2):c.3863dup (p.Asn1288fs)

Gene: BRCA2 (BRCA2 DNA repair associated; plus strand). Cytogenetic location: 13q13.1.
Variant type: Duplication.
Coding change: c.3863dup on transcript NM_000059.4 (MANE Select); coding-DNA position 3863, one base duplicated (A; older notation c.3863dupA).
Protein change: p.Asn1288fs; shifts the reading frame from asparagine 1288.
Molecular consequence: frameshift variant.
Genome position (GRCh38, 1-based): chr13:32,338,218, A duplicated; the last of 2 consecutive A bases (chr13:32,338,217-32,338,218); duplicating either gives the same sequence. VCF-style (leftmost placement, unchanged base first): chr13-32338216-T-TA. GRCh37 (hg19) VCF-style: chr13-32912353-T-TA.
Other names: c.3863dupA (NM_000059.3); short protein forms N1288fs.
Identifiers: ClinVar variation 51548 (VCV000051548.3), dbSNP rs397507693, ClinGen allele CA019002.

ClinVar aggregate classification (germline): Pathogenic. Review status: reviewed by expert panel (3 of 4 stars). 2 submissions from 2 submitters: Pathogenic (1). 1 of the submissions does not count toward it. Last evaluated 2017-12-15.

Conditions:
Familial cancer of breast. Also called: BREAST CANCER, FAMILIAL; Hereditary breast cancer; hereditary breast carcinoma. Identifiers: Orphanet 227535, MedGen C0346153, MONDO:0016419, OMIM 114480. Disease mechanism: loss of function.
Breast-ovarian cancer, familial, susceptibility to, 2 (BROVCA2). Also called: BRCA2 Hereditary Breast and Ovarian Cancer. Identifiers: Orphanet 145, MedGen C2675520, MONDO:0012933, OMIM 612555. Disease mechanism: loss of function.

Submissions (2):

Evidence-based Network for the Interpretation of Germline Mutant Alleles (ENIGMA)
Classification: Pathogenic for Breast-ovarian cancer, familial, susceptibility to, 2. Last evaluated: 2017-12-15. Review status: reviewed by expert panel. Criteria: ENIGMA BRCA1/2 Classification Criteria (2017-06-29). Collection method: curation. Allele origin: germline. Study: ENIGMA.
Comment: Variant allele predicted to encode a truncated non-functional protein.

ClinVar Staff, National Center for Biotechnology Information (NCBI)
No classification provided. Condition: Familial cancer of breast. Review status: no classification provided. Collection method: literature only. Allele origin: germline. Affected: yes. Not counted in ClinVar's aggregate classification.

Literature cited by the submitters: PubMed 16683254 (cited by ClinVar Staff, National Center for Biotechnology Information (NCBI)).